The following is an entry in ClinVar:

ClinVar aggregate classification (germline): Uncertain significance (1 of 4 stars; one submission).

Conditions:
Angelman syndrome (AS). Also called: HAPPY PUPPET SYNDROME. Identifiers: Orphanet 72, MedGen C0162635, MONDO:0007113, OMIM 105830. Disease mechanism: loss of function. Inheritance: AS is caused by disruption of maternally imprinted UBE3A located within the 15q11.2-q13 Angelman syndrome/Prader-Willi syndrome (AS/PWS) region., imprinting disorder.

gnomAD v4.1: 1 of 1,611,320 alleles (0.000062%); highest among the groups gnomAD compares: Non-Finnish European, 0.000085%; no homozygotes.

Submission:

Labcorp Genetics (formerly Invitae), Labcorp
Classification: Uncertain significance for Angelman syndrome. Last evaluated: 2024-11-04. Review status: criteria provided, single submitter. Criteria: Invitae Variant Classification Sherloc (09022015). Collection method: clinical testing. Allele origin: germline.
Comment: This sequence change affects codon 827 of the UBE3A mRNA. It is a 'silent' change, meaning that it does not change the encoded amino acid sequence of the UBE3A protein. This variant is not present in population databases (gnomAD no frequency). This variant has not been reported in the literature in individuals affected with UBE3A-related conditions. Algorithms developed to predict the effect of sequence changes on RNA splicing suggest that this variant may disrupt the consensus splice site. In summary, the available evidence is currently insufficient to determine the role of this variant in disease. Therefore, it has been classified as a Variant of Uncertain Significance.

NM_130839.5(UBE3A):c.2541G>A (p.Pro847=)

Genes: SNHG14 (small nucleolar RNA host gene 14; plus strand), UBE3A (ubiquitin protein ligase E3A; minus strand). Cytogenetic location: 15q11.2.
Variant type: single nucleotide variant.
Coding change: c.2541G>A on transcript NM_130839.5 (MANE Select); coding-DNA position 2541, G replaced by A.
Protein change: p.Pro847=; no amino-acid change (proline 847 retained).
Molecular consequence: synonymous variant. On other transcripts: non-coding transcript variant (1).
Genome position (GRCh38, 1-based): chr15:25,339,215, C>T on the plus strand (G>A on the coding strand, the complement: UBE3A is on the minus strand). VCF-style: chr15-25339215-C-T. GRCh37 (hg19) VCF-style: chr15-25584362-C-T.
Other names: c.2550G>A, p.Pro850= (NM_000462.5); c.2541G>A, p.Pro847= (NM_001354505.1, NM_001354538.2); c.2481G>A, p.Pro827= (NM_001354506.2, NM_001354507.2, NM_001354508.2 and 14 more transcripts); c.2385G>A, p.Pro795= (NM_001354545.2); c.2364G>A, p.Pro788= (NM_001354546.2); c.2325G>A, p.Pro775= (NM_001354547.2, NM_001354548.2); c.2316G>A, p.Pro772= (NM_001354549.2); c.1290G>A, p.Pro430= (NM_001354550.2); and 1 more.
Identifiers: ClinVar variation 3608543 (VCV003608543.2).
Genomic context (GRCh38, chr15:25,339,215, plus strand): 5'-TTTGGCATACGTGATGGCCTTCAACAATCTCTCTTTAAGTTTTTCTTTGCTTGAGTATTC[C>T]GGAAGTAAAAGCACATTAAAGCAAGTATGAGATGTAGGTAACCTAAATAGAGAAAAGGGG-3'
Protein context (NP_570854.1, residues 837-857): SHTCFNVLLL[Pro847=]EYSSKEKLKE